The following is an entry in ClinVar:

ClinVar aggregate classification (germline): Likely pathogenic (1 of 4 stars; one submission).

Submission:

GeneDx
Classification: Likely pathogenic. Last evaluated: 2018-02-07. Review status: criteria provided, single submitter. Criteria: GeneDx Variant Classification (06012015). Collection method: clinical testing. Allele origin: germline. Affected: yes.
Comment: The c.137delG variant in the PURA gene has not been reported previously as a pathogenic variant nor as a benign variant, to our knowledge. The c.137delG variant causes a frameshift starting with codon Glycine 46, changes this amino acid to an Alanine residue, and creates a premature Stop codon at position 32 of the new reading frame, denoted p.Gly46AlafsX32. This variant is predicted to cause loss of normal protein function through protein truncation. The c.137delG variant is not observed in large population cohorts (Lek et al., 2016). We interpret c.137delG as a likely pathogenic variant,

NM_005859.5(PURA):c.137del (p.Gly46fs)

Gene: PURA (purine rich element binding protein A; plus strand). Cytogenetic location: 5q31.3.
Variant type: Deletion.
Coding change: c.137del on transcript NM_005859.5 (MANE Select); coding-DNA position 137, one base deleted (G; older notation c.137delG).
Protein change: p.Gly46fs; shifts the reading frame from glycine 46.
Molecular consequence: frameshift variant.
Genome position (GRCh38, 1-based): chr5:140,114,318, G deleted; the last of 2 consecutive G bases (chr5:140,114,317-140,114,318); deleting either gives the same sequence. VCF-style (leftmost placement, unchanged base first): chr5-140114316-CG-C. GRCh37 (hg19) VCF-style: chr5-139493901-CG-C.
Other names: short protein forms G46fs.
Identifiers: ClinVar variation 504226 (VCV000504226.2), dbSNP rs1554129023, ClinGen allele CA658796650.
Genomic context (GRCh38, chr5:140,114,316, plus strand): 5'-CTCGGGCTCAGGCTCCGGCGGGGGCGGTGGTGGCGGCGGGGGCGGCGGCGGCAGTGGCGG[CG>C]GCGGCGGCGGGGCCCCAGGGGGGCTGCAGCACGAGACGCAGGAGCTGGCCTCCAAGCGGG-3'